The following is an entry in ClinVar:

ClinVar aggregate classification (germline): Benign/Likely benign. Review status: criteria provided, multiple submitters, no conflicts (2 of 4 stars). 3 submissions from 3 submitters: Benign (1); Likely benign (2). Last evaluated 2025-12-15.

Conditions:
Malignant hyperthermia, susceptibility to, 5 (MHS5). Also called: CACNA1S-Related Malignant Hyperthermia Susceptibility. Identifiers: Orphanet 423, MedGen C1866077, MONDO:0011163, OMIM 601887.
Hypokalemic periodic paralysis, type 1. Also called: Hypokalemic Periodic Paralysis Type 1 (AD); HypoPP. Identifiers: Orphanet 681, MedGen C3714580, MONDO:0042979, OMIM 170400.

Allele frequency attached by ClinVar (database versions not stated): gnomAD exomes 0.00001; ExAC 0.00002; gnomAD 0.00007; TOPMed 0.00007; ESP Exome Variant Server 0.00015.
gnomAD v4.1: 19 of 1,613,774 alleles (0.0012%); highest among the groups gnomAD compares: African/African-American, 0.023%; no homozygotes.

Submissions (3):

Labcorp Genetics (formerly Invitae), Labcorp
Classification: Benign for Hypokalemic periodic paralysis, type 1; Malignant hyperthermia, susceptibility to, 5. Last evaluated: 2025-12-15. Review status: criteria provided, single submitter. Criteria: Invitae Variant Classification Sherloc (09022015). Collection method: clinical testing. Allele origin: germline.

All of Us Research Program, National Institutes of Health
Classification: Likely benign for Malignant hyperthermia, susceptibility to, 5. Last evaluated: 2024-01-03. Review status: criteria provided, single submitter. Criteria: ACMG Guidelines, 2015. Collection method: clinical testing. Allele origin: germline. Inheritance: Autosomal dominant inheritance. Observed: 3 variant alleles, 3 heterozygotes.
Comment: This study involves interpretation of variants in research participants for the purpose of population health screening. Participant phenotype was not available at the time of variant classification. Additional details can be found in publication PMID: 35346344, PMCID: PMC8962531

Color Diagnostics, LLC DBA Color Health
Classification: Likely benign for Malignant hyperthermia, susceptibility to, 5. Last evaluated: 2022-11-06. Review status: criteria provided, single submitter. Criteria: ACMG Guidelines, 2015. Collection method: clinical testing. Allele origin: germline.

NM_000069.3(CACNA1S):c.948C>T (p.Thr316=)

Gene: CACNA1S (calcium voltage-gated channel subunit alpha1 S; minus strand). Cytogenetic location: 1q32.1.
Variant type: single nucleotide variant.
Coding change: c.948C>T on transcript NM_000069.3 (MANE Select); coding-DNA position 948, C replaced by T.
Protein change: p.Thr316=; no amino-acid change (threonine 316 retained).
Molecular consequence: synonymous variant.
Genome position (GRCh38, 1-based): chr1:201,087,882, G>A on the plus strand (C>T on the coding strand, the complement: CACNA1S is on the minus strand). VCF-style: chr1-201087882-G-A. GRCh37 (hg19) VCF-style: chr1-201057010-G-A.
Identifiers: ClinVar variation 2927188 (VCV002927188.5), dbSNP rs149079621, ClinGen allele CA084071.